The following is an entry in ClinVar:

ClinVar aggregate classification (germline): Likely benign. Review status: criteria provided, multiple submitters, no conflicts (2 of 4 stars). 2 submissions from 2 submitters: Likely benign (2). Last evaluated 2025-10-13.

Allele frequency attached by ClinVar (database versions not stated): gnomAD 0.00003 and 0.00004; gnomAD exomes 0.00003 and 0.00005; TOPMed 0.00005; ExAC 0.00016.
gnomAD v4.1: 70 of 1,566,942 alleles (0.0045%); highest among the groups gnomAD compares: Non-Finnish European, 0.0058%; no homozygotes.

Submissions (2):

Labcorp Genetics (formerly Invitae), Labcorp
Classification: Likely benign. Last evaluated: 2025-10-13. Review status: criteria provided, single submitter. Criteria: Invitae Variant Classification Sherloc (09022015). Collection method: clinical testing. Allele origin: germline.

CeGaT Center for Human Genetics Tuebingen
Classification: Likely benign. Last evaluated: 2024-09-01. Review status: criteria provided, single submitter. Criteria: CeGaT Center For Human Genetics Tuebingen Variant Classification Criteria Version 2. Collection method: clinical testing. Allele origin: germline. Affected: yes. Observed: 1 variant allele.
Comment: SNIP1: BP4, BP7

NM_024700.4(SNIP1):c.213A>G (p.Arg71=)

Genes: SNIP1 (Smad nuclear interacting protein 1; minus strand), LOC129930156 (ATAC-STARR-seq lymphoblastoid silent region 673; plus strand). Cytogenetic location: 1p34.3.
Variant type: single nucleotide variant.
Coding change: c.213A>G on transcript NM_024700.4 (MANE Select); coding-DNA position 213, A replaced by G.
Protein change: p.Arg71=; no amino-acid change (arginine 71 retained).
Molecular consequence: synonymous variant.
Genome position (GRCh38, 1-based): chr1:37,554,017, T>C on the plus strand (A>G on the coding strand, the complement: SNIP1 is on the minus strand). VCF-style: chr1-37554017-T-C. GRCh37 (hg19) VCF-style: chr1-38019618-T-C.
Identifiers: ClinVar variation 1546131 (VCV001546131.22), dbSNP rs773064902, ClinGen allele CA771409.
Genomic context (GRCh38, chr1:37,554,017, plus strand): 5'-TCTGAATGAGCCCAACCCAATGTCCATCCTGGACTGCTCCCCCACTTACCGGCTAACTCC[T>C]CGGGCTCGGTTCCCGCGGTGGCCCGAGCGGGCCGGCTCGCTGGTCGGCGGAGACGGGCTA-3'
Protein context (NP_078976.2, residues 61-81): ARSGHRGNRA[Arg71=]GVSRSPPKKK